The following is an entry in ClinVar:

NM_000135.4(FANCA):c.1960A>G (p.Thr654Ala)

Gene: FANCA (FA complementation group A; minus strand). Cytogenetic location: 16q24.3.
Variant type: single nucleotide variant.
Coding change: c.1960A>G on transcript NM_000135.4 (MANE Select); coding-DNA position 1960, A replaced by G.
Protein change: p.Thr654Ala; replaces threonine 654 with alanine.
Molecular consequence: missense variant.
Genome position (GRCh38, 1-based): chr16:89,773,325, T>C on the plus strand (A>G on the coding strand, the complement: FANCA is on the minus strand). VCF-style: chr16-89773325-T-C. GRCh37 (hg19) VCF-style: chr16-89839733-T-C.
Other names: c.1960A>G (LRG_495t1, NM_000135.3); c.1960A>G, p.Thr654Ala (NM_001286167.3); short protein forms T654A.
Identifiers: ClinVar variation 526359 (VCV000526359.10), dbSNP rs1555549412, ClinGen allele CA397449951.

ClinVar aggregate classification (germline): Conflicting classifications of pathogenicity. Review status: criteria provided, conflicting classifications (1 of 4 stars). 5 submissions from 5 submitters: Uncertain significance (3); Likely benign (1). 1 of the submissions does not count toward it. Last evaluated 2025-01-18.

Conditions:
Fanconi anemia (FA). Also called: Fanconi's anemia. Identifiers: Orphanet 84, MedGen C0015625, MeSH D005199, MONDO:0019391.
Fanconi anemia complementation group A (FANCA). Also called: Fanconi anemia, group A; FANCA-Related Fanconi Anemia. Identifiers: Orphanet 84, MedGen C3469521, MONDO:0009215, OMIM 227650.
Inborn genetic diseases. Identifiers: MedGen C0950123, MeSH D030342.

Allele frequency attached by ClinVar (database versions not stated): gnomAD exomes below 0.00001; TOPMed below 0.00001.
gnomAD v4.1: 3 of 1,551,568 alleles (0.00019%); highest among the groups gnomAD compares: Middle Eastern, 0.017%; no homozygotes.

Submissions (5):

Ambry Genetics
Classification: Uncertain significance for Inborn genetic diseases. Last evaluated: 2025-01-18. Review status: criteria provided, single submitter. Criteria: Ambry Variant Classification Scheme 2023. Collection method: clinical testing. Allele origin: germline.
Comment: The p.T654A variant (also known as c.1960A>G), located in coding exon 22 of the FANCA gene, results from an A to G substitution at nucleotide position 1960. The threonine at codon 654 is replaced by alanine, an amino acid with similar properties. This amino acid position is conserved. In addition, this alteration is predicted to be tolerated by in silico analysis. Based on the available evidence, the clinical significance of this variant remains unclear.

Quest Diagnostics Nichols Institute San Juan Capistrano
Classification: Uncertain significance. Last evaluated: 2024-06-26. Review status: criteria provided, single submitter. Criteria: Quest Diagnostics criteria. Collection method: clinical testing. Allele origin: unknown.
Comment: The FANCA c.1960A>G (p.Thr654Ala) variant has not been reported in individuals with FANCA-related conditions in the published literature. It also has not been reported in large, multi-ethnic general populations (Genome Aggregation Database). Analysis of this variant using bioinformatics tools for the prediction of the effect of amino acid changes on protein structure and function yielded predictions that this variant is benign. Based on the available information, we are unable to determine the clinical significance of this variant.

Blueprint Genetics
Classification: Likely benign. Last evaluated: 2022-12-19. Review status: criteria provided, single submitter. Criteria: ACMG Guidelines, 2015. Collection method: clinical testing. Allele origin: germline.

Labcorp Genetics (formerly Invitae), Labcorp
Classification: Uncertain significance for Fanconi anemia. Last evaluated: 2021-08-31. Review status: criteria provided, single submitter. Criteria: Invitae Variant Classification Sherloc (09022015). Collection method: clinical testing. Allele origin: germline.
Comment: This sequence change replaces threonine with alanine at codon 654 of the FANCA protein (p.Thr654Ala). The threonine residue is weakly conserved and there is a small physicochemical difference between threonine and alanine. This variant is not present in population databases (ExAC no frequency). This variant has not been reported in the literature in individuals affected with FANCA-related conditions. Algorithms developed to predict the effect of missense changes on protein structure and function output the following: SIFT: "Tolerated"; PolyPhen-2: "Benign"; Align-GVGD: "Class C0". The alanine amino acid residue is found in multiple mammalian species, which suggests that this missense change does not adversely affect protein function. In summary, the available evidence is currently insufficient to determine the role of this variant in disease. Therefore, it has been classified as a Variant of Uncertain Significance.

Natera, Inc.
Classification: Uncertain significance for Fanconi anemia, group A. Last evaluated: 2020-09-16. Review status: no assertion criteria provided. Collection method: clinical testing. Allele origin: germline. Not counted in ClinVar's aggregate classification.